The following is an entry in ClinVar:

NM_005560.6(LAMA5):c.9228-12_9228-5dup

Gene: LAMA5 (laminin subunit alpha 5; minus strand). Cytogenetic location: 20q13.33.
Variant type: Duplication.
Coding change: c.9228-12_9228-5dup on transcript NM_005560.6 (MANE Select); 12 bases into the intron before coding-DNA position 9228 through 5 bases into the intron before coding-DNA position 9228, 8 bases duplicated (GCTTCCCC; older notation c.9228-12_9228-5dupGCTTCCCC).
Molecular consequence: intron variant.
Genome position (GRCh38, 1-based): chr20:62,312,537-62,312,544, GGGGAAGC duplicated on the plus strand (GCTTCCCC on the coding strand, the reverse complement: LAMA5 is on the minus strand); duplicating any 8 consecutive bases within chr20:62,312,537-62,312,549 gives the same sequence; the c. name uses the placement nearest the transcript's 3' end. VCF-style (leftmost placement, unchanged base first): chr20-62312536-T-TGGGGAAGC. GRCh37 (hg19) VCF-style: chr20-60887592-T-TGGGGAAGC.
Other names: c.9228-12_9228-5dupGCTTCCCC (NM_005560.6).
Identifiers: ClinVar variation 2718392 (VCV002718392.4), dbSNP rs761318915, ClinGen allele CA9940346.
Genomic context (GRCh38, chr20:62,312,536, plus strand): 5'-TTGATGCCTTTGACGCAGCCACGGACTGAGCCTCCGGTGGGGAAGAGCCGTCGCAGGCTG[T>TGGGGAAGC]GGGGAAGCGGGGATGCGGGTCAGGGCGCCACCTCCAAGCCCAGCCTACCGCCCCAACAGC-3'

ClinVar aggregate classification (germline): Likely benign. Review status: criteria provided, multiple submitters, no conflicts (2 of 4 stars). 2 submissions from 2 submitters: Likely benign (2). Last evaluated 2026-03-10.

Submissions (2):

Women's Health and Genetics/Laboratory Corporation of America, LabCorp
Classification: Likely benign. Last evaluated: 2026-03-10. Review status: criteria provided, single submitter. Criteria: LabCorp Variant Classification Summary - May 2015. Collection method: clinical testing. Allele origin: germline.
Comment: Variant summary: LAMA5 c.9228-12_9228-5dupGCTTCCCC alters a nucleotide located at a position not widely known to affect splicing. Consensus agreement among computation tools predict no significant impact on normal splicing. However, these predictions have yet to be confirmed by functional studies. The variant allele was found at a frequency of 0.00015 in 235048 control chromosomes. This frequency is not significantly higher than estimated for disease-causing variants in LAMA5, allowing no conclusion about variant significance. To our knowledge, no occurrence of c.9228-12_9228-5dupGCTTCCCC in individuals affected with LAMA5-related conditions and no experimental evidence demonstrating its impact on protein function have been reported. ClinVar contains an entry for this variant (Variation ID: 2718392). Based on the evidence outlined above, the variant was classified as likely benign.

Labcorp Genetics (formerly Invitae), Labcorp
Classification: Likely benign. Last evaluated: 2023-04-13. Review status: criteria provided, single submitter. Criteria: Invitae Variant Classification Sherloc (09022015). Collection method: clinical testing. Allele origin: germline.